The following is an entry in ClinVar:

NM_002691.4(POLD1):c.1017G>A (p.Ser339=)

Gene: POLD1 (DNA polymerase delta 1, catalytic subunit; plus strand). Cytogenetic location: 19q13.33.
Variant type: single nucleotide variant.
Coding change: c.1017G>A on transcript NM_002691.4 (MANE Select); coding-DNA position 1017, G replaced by A.
Protein change: p.Ser339=; no amino-acid change (serine 339 retained).
Molecular consequence: synonymous variant. On other transcripts: non-coding transcript variant (1).
Genome position (GRCh38, 1-based): chr19:50,403,099, G>A. VCF-style: chr19-50403099-G-A. GRCh37 (hg19) VCF-style: chr19-50906356-G-A.
Other names: c.1017G>A, p.Ser339= (NM_001256849.1, NM_001308632.1).
Identifiers: ClinVar variation 383221 (VCV000383221.25), dbSNP rs373404887, ClinGen allele CA9596002.
Genomic context (GRCh38, chr19:50,403,099, plus strand): 5'-CTCCTGCCTCGCAGGCATCTTCCCTGAGCCTGAGCGGGACCCTGTCATCCAGATCTGCTC[G>A]CTGGGCCTGCGCTGGGGGGAGCCGGAGCCCTTCCTACGCCTGGCGCTCACCCTGCGGCCC-3'
Protein context (NP_002682.2, residues 329-349): PERDPVIQIC[Ser339=]LGLRWGEPEP

ClinVar aggregate classification (germline): Benign/Likely benign. Review status: criteria provided, multiple submitters, no conflicts (2 of 4 stars). 7 submissions from 7 submitters: Benign (1); Likely benign (6). Last evaluated 2026-01-25.

Conditions:
Hereditary cancer-predisposing syndrome. Also called: Neoplastic Syndromes, Hereditary; Hereditary neoplastic syndrome; Hereditary Cancer Syndrome; Tumor predisposition. Identifiers: Orphanet 140162, MedGen C0027672, MeSH D009386, MONDO:0015356.
POLD1-related polyposis and colorectal cancer syndrome (CRCS10). Also called: Colorectal cancer, susceptibility to, 10; Colorectal cancer 10; COLORECTAL CANCER, SUSCEPTIBILITY TO, ON CHROMOSOME 19q. Identifiers: Orphanet 220460, MedGen C2675481, MONDO:0012953, OMIM 612591.

Allele frequency attached by ClinVar (database versions not stated): TOPMed 0.00001.
gnomAD v4.1: 22 of 1,564,844 alleles (0.0014%); highest among the groups gnomAD compares: South Asian, 0.0047%; no homozygotes.

Submissions (7):

Labcorp Genetics (formerly Invitae), Labcorp
Classification: Likely benign for POLD1-related polyposis and colorectal cancer syndrome. Last evaluated: 2026-01-25. Review status: criteria provided, single submitter. Criteria: Invitae Variant Classification Sherloc (09022015). Collection method: clinical testing. Allele origin: germline.

Dasa
Classification: Likely benign. Last evaluated: 2025-06-17. Review status: criteria provided, single submitter. Criteria: DASA Assertion Criteria. Collection method: clinical testing. Allele origin: germline.
Comment: NM_002691.4(POLD1):c.1017G>A (p.Ser339=) is a synonymous variant predicted not to alter the encoded amino acid sequence. The variant context is inconsistent with a known disease-causing mechanism. Computational prediction algorithms are consistent with a benign effect. Therefore, based on the currently available evidence, this variant is classified as likely benign.

Quest Diagnostics Nichols Institute San Juan Capistrano
Classification: Likely benign. Last evaluated: 2025-03-27. Review status: criteria provided, single submitter. Criteria: Quest Diagnostics criteria. Collection method: clinical testing. Allele origin: unknown.

Myriad Genetics, Inc.
Classification: Benign for POLD1-related polyposis and colorectal cancer syndrome. Last evaluated: 2025-02-05. Review status: criteria provided, single submitter. Criteria: Myriad Autosomal Dominant, Autosomal Recessive and X-Linked Classification Criteria (2023). Collection method: clinical testing. Allele origin: unknown.
Comment: This variant is considered benign. This variant is a silent/synonymous amino acid change and it is not expected to impact splicing.

Blueprint Genetics
Classification: Likely benign. Last evaluated: 2023-08-14. Review status: criteria provided, single submitter. Criteria: ACMG Guidelines, 2015. Collection method: clinical testing. Allele origin: germline.

GeneDx
Classification: Likely benign. Last evaluated: 2020-12-03. Review status: criteria provided, single submitter. Criteria: GeneDx Variant Classification Process June 2021. Collection method: clinical testing. Allele origin: germline. Affected: yes.
Comment: Not observed at a significant frequency in large population cohorts (Lek et al., 2016)

Ambry Genetics
Classification: Likely benign for Hereditary cancer-predisposing syndrome. Last evaluated: 2015-08-05. Review status: criteria provided, single submitter. Criteria: Ambry Variant Classification Scheme 2023. Collection method: clinical testing. Allele origin: germline.